The following is an entry in ClinVar:

NM_001377142.1(PLCB4):c.1597A>C (p.Asn533His)

Gene: PLCB4 (phospholipase C beta 4; plus strand). Cytogenetic location: 20p12.2.
Variant type: single nucleotide variant.
Coding change: c.1597A>C on transcript NM_001377142.1 (MANE Select); coding-DNA position 1597, A replaced by C.
Protein change: p.Asn533His; replaces asparagine 533 with histidine.
Molecular consequence: missense variant.
Genome position (GRCh38, 1-based): chr20:9,401,576, A>C. VCF-style: chr20-9401576-A-C. GRCh37 (hg19) VCF-style: chr20-9382223-A-C.
Other names: c.1597A>C, p.Asn533His (NM_000933.4, NM_001172646.2, NM_001377134.2 and 4 more transcripts); short protein forms N533H.
Identifiers: ClinVar variation 4086353 (VCV004086353.1).

ClinVar aggregate classification (germline): Uncertain significance (1 of 4 stars; one submission).

gnomAD v4.1: 1 of 1,611,642 alleles (0.000062%); highest among the groups gnomAD compares: African/African-American, 0.0013%; no homozygotes.

Submission:

GeneDx
Classification: Uncertain significance. Last evaluated: 2025-03-18. Review status: criteria provided, single submitter. Criteria: GeneDx Variant Classification Process June 2021. Collection method: clinical testing. Allele origin: germline. Affected: yes.
Comment: Not observed at significant frequency in large population cohorts (gnomAD); In silico analysis indicates that this missense variant does not alter protein structure/function; Has not been previously published as pathogenic or benign to our knowledge